The following is an entry in ClinVar:

ClinVar aggregate classification (germline): Uncertain significance. Review status: criteria provided, multiple submitters, no conflicts (2 of 4 stars). 2 submissions from 2 submitters: Uncertain significance (2). Last evaluated 2026-05-18.

Submissions (2):

Women's Health and Genetics/Laboratory Corporation of America, LabCorp
Classification: Uncertain significance. Last evaluated: 2026-05-18. Review status: criteria provided, single submitter. Criteria: LabCorp Variant Classification Summary - May 2015. Collection method: clinical testing. Allele origin: germline.
Comment: Variant summary: HBB c.*116dupA, also referred to as c.*116_*117insA, is located in the untranslated mRNA region downstream of the termination codon. The variant allele was found at a frequency of 5.2e-06 in 963262 control chromosomes. The available data on variant occurrences in the general population are insufficient to allow any conclusion about variant significance. c.*116dupA has been observed together with a pathogenic variant in individual from a cohort comprised mostly of beta-thalassemia carriers with asymptomatic or mild anemia (Xinh_2022). This report does not provide unequivocal conclusions about association of the variant with disease. To our knowledge, no experimental evidence demonstrating an impact on protein function has been reported. The following publication has been ascertained in the context of this evaluation (PMID: 35023007). ClinVar contains an entry for this variant (Variation ID: 439131). Based on the evidence outlined above, the variant was classified as uncertain significance.

Quest Diagnostics Nichols Institute San Juan Capistrano
Classification: Uncertain significance. Last evaluated: 2024-10-25. Review status: criteria provided, single submitter. Criteria: Quest Diagnostics criteria. Collection method: clinical testing. Allele origin: unknown.
Comment: The HBB c.*116dup variant (also known as c.*116_*117insA) is located in the 3'-untranslated region of the beta-globin gene, in close proximity to the HBB mRNA polyadenylation signal. In the published literature, this variant has been reported in an individual with microcytic hypochromic anemia who also carried the HBB c.79G>A (p.Glu27Lys) pathogenic variant (PMID: 35023007 (2022)). The c.*116dup variant has not been reported in large, multi-ethnic general populations (Genome Aggregation Database). Based on the available information, we are unable to determine the clinical significance of this variant.

Literature cited by the submitters: PubMed 35023007 (cited by Women's Health and Genetics/Laboratory Corporation of America, LabCorp and Quest Diagnostics Nichols Institute San Juan Capistrano).

NM_000518.5(HBB):c.*116dup

Genes: HBB (hemoglobin subunit beta; minus strand), LOC107133510 (origin of replication at HBB; plus strand), LOC110006319 (beta-globin gene 3' regulatory region; plus strand). Cytogenetic location: 11p15.4.
Variant type: Duplication.
Coding change: c.*116dup on transcript NM_000518.5 (MANE Select); 116 bases downstream of the stop codon, one base duplicated (A; older notation c.*116dupA).
Molecular consequence: 3 prime UTR variant.
Genome position (GRCh38, 1-based): chr11:5,225,482, T duplicated on the plus strand (A on the coding strand, the reverse complement: HBB is on the minus strand); the first of 6 consecutive T bases (chr11:5,225,482-5,225,487); duplicating any one gives the same sequence. VCF-style (leftmost placement, unchanged base first): chr11-5225481-G-GT. GRCh37 (hg19) VCF-style: chr11-5246711-G-GT.
Other names: c.*116dupA (NM_000518.4, NM_000518.5).
Identifiers: ClinVar variation 439131 (VCV000439131.6), dbSNP rs281864532, ClinGen allele CA645509056.
Genomic context (GRCh38, chr11:5,225,481, plus strand): 5'-TTCCCTTTTTAGTAAAATATTCAGAAATAATTTAAATACATCATTGCAATGAAAATAAAT[G>GT]TTTTTTATTAGGCAGAATCCAGATGCTCAAGGCCCTTCATAATATCCCCCAGTTTAGTAG-3'